The following is an entry in ClinVar:

NM_001330700.2(TOP2B):c.1607G>T (p.Gly536Val)

Gene: TOP2B (DNA topoisomerase II beta; minus strand). Cytogenetic location: 3p24.2.
Variant type: single nucleotide variant.
Coding change: c.1607G>T on transcript NM_001330700.2 (MANE Select); coding-DNA position 1607, G replaced by T.
Protein change: p.Gly536Val; replaces glycine 536 with valine.
Molecular consequence: missense variant.
Genome position (GRCh38, 1-based): chr3:25,630,111, C>A on the plus strand (G>T on the coding strand, the complement: TOP2B is on the minus strand). VCF-style: chr3-25630111-C-A. GRCh37 (hg19) VCF-style: chr3-25671602-C-A.
Other names: c.1592G>T, p.Gly531Val (NM_001068.3); short protein forms G531V, G536V.
Identifiers: ClinVar variation 4281805 (VCV004281805.1).
Genomic context (GRCh38, chr3:25,630,111, plus strand): 5'-TTTCCATAGCGTAAGGTTTTCAGAGATTCTGCATCATCGTAACTTTTCTTATATTGTAGA[C>A]CAACTATTTTAATAATATTATTTATTTCAGCATTTTCCATGATCTGTTCAAAAAGGAAAA-3'
Protein context (NP_001317629.1, residues 526-546): AEINNIIKIV[Gly536Val]LQYKKSYDDA

ClinVar aggregate classification (germline): Uncertain significance (1 of 4 stars; one submission).

Submission:

GeneDx
Classification: Uncertain significance. Last evaluated: 2025-04-07. Review status: criteria provided, single submitter. Criteria: GeneDx Variant Classification Process June 2021. Collection method: clinical testing. Allele origin: germline. Affected: yes.
Comment: Not observed at significant frequency in large population cohorts (gnomAD); In silico analysis supports that this missense variant has a deleterious effect on protein structure/function; Has not been previously published as pathogenic or benign to our knowledge